The following is an entry in ClinVar:

NM_001178015.2(SLC4A10):c.1031G>A (p.Arg344Gln)

Gene: SLC4A10 (solute carrier family 4 member 10; plus strand). Cytogenetic location: 2q24.2.
Variant type: single nucleotide variant.
Coding change: c.1031G>A on transcript NM_001178015.2 (MANE Select); coding-DNA position 1031, G replaced by A.
Protein change: p.Arg344Gln; replaces arginine 344 with glutamine.
Molecular consequence: missense variant.
Genome position (GRCh38, 1-based): chr2:161,879,213, G>A. VCF-style: chr2-161879213-G-A. GRCh37 (hg19) VCF-style: chr2-162735723-G-A.
Other names: c.974G>A, p.Arg325Gln (NM_001178016.2, NM_001354445.2); c.1031G>A, p.Arg344Gln (NM_001354440.2); c.1064G>A, p.Arg355Gln (NM_001354441.2, NM_001354442.2); c.977G>A, p.Arg326Gln (NM_001354443.2, NM_001354447.2); c.1028G>A, p.Arg343Gln (NM_001354444.2); c.941G>A, p.Arg314Gln (NM_001354446.2, NM_001354450.2, NM_022058.4); c.971G>A, p.Arg324Gln (NM_001354448.2); c.938G>A, p.Arg313Gln (NM_001354449.2, NM_001354451.2); and 3 more; short protein forms R121Q, R265Q, R313Q, R314Q, R324Q, R325Q, R326Q, R343Q.
Identifiers: ClinVar variation 2579784 (VCV002579784.1), dbSNP rs763437005, ClinGen allele CA1931333.

ClinVar aggregate classification (germline): Uncertain significance (1 of 4 stars; one submission).

Allele frequency attached by ClinVar (database versions not stated): gnomAD 0.00001; TOPMed 0.00002.
gnomAD v4.1: 30 of 1,613,254 alleles (0.0019%); highest among the groups gnomAD compares: Middle Eastern, 0.066%; 1 homozygote.

Submission:

GeneDx
Classification: Uncertain significance. Last evaluated: 2023-03-17. Review status: criteria provided, single submitter. Criteria: GeneDx Variant Classification Process June 2021. Collection method: clinical testing. Allele origin: germline. Affected: yes.
Comment: In silico analysis supports that this missense variant has a deleterious effect on protein structure/function; Has not been previously published as pathogenic or benign to our knowledge; Variants in candidate genes are classified as variants of uncertain significance in accordance with ACMG guidelines (Richards et al., 2015)